The following is an entry in ClinVar:

ClinVar aggregate classification (germline): Uncertain significance. Review status: criteria provided, multiple submitters, no conflicts (2 of 4 stars). 2 submissions from 2 submitters: Uncertain significance (2). Last evaluated 2024-12-02.

Conditions:
Inborn genetic diseases. Identifiers: MedGen C0950123, MeSH D030342.
Chédiak-Higashi syndrome (CHS). Also called: Chediak-Higashi Syndrome. Identifiers: Orphanet 167, MedGen C0007965, MONDO:0008963, OMIM 214500.

Allele frequency attached by ClinVar (database versions not stated): ExAC 0.00001; gnomAD 0.00003; TOPMed 0.00005; gnomAD exomes 0.00007; ESP Exome Variant Server 0.00008.
gnomAD v4.1: 95 of 1,594,544 alleles (0.006%); highest among the groups gnomAD compares: Non-Finnish European, 0.0079%; no homozygotes.

Submissions (2):

Labcorp Genetics (formerly Invitae), Labcorp
Classification: Uncertain significance for Chédiak-Higashi syndrome. Last evaluated: 2024-12-02. Review status: criteria provided, single submitter. Criteria: Invitae Variant Classification Sherloc (09022015). Collection method: clinical testing. Allele origin: germline.
Comment: This sequence change replaces leucine, which is neutral and non-polar, with phenylalanine, which is neutral and non-polar, at codon 1324 of the LYST protein (p.Leu1324Phe). This variant is present in population databases (rs373436668, gnomAD 0.002%). This variant has not been reported in the literature in individuals affected with LYST-related conditions. ClinVar contains an entry for this variant (Variation ID: 2042777). Invitae Evidence Modeling of protein sequence and biophysical properties (such as structural, functional, and spatial information, amino acid conservation, physicochemical variation, residue mobility, and thermodynamic stability) indicates that this missense variant is not expected to disrupt LYST protein function with a negative predictive value of 80%. In summary, the available evidence is currently insufficient to determine the role of this variant in disease. Therefore, it has been classified as a Variant of Uncertain Significance.

Ambry Genetics
Classification: Uncertain significance for Inborn genetic diseases. Last evaluated: 2023-04-11. Review status: criteria provided, single submitter. Criteria: Ambry Variant Classification Scheme 2023. Collection method: clinical testing. Allele origin: germline.

NM_000081.4(LYST):c.3972G>T (p.Leu1324Phe)

Gene: LYST (lysosomal trafficking regulator; minus strand). Cytogenetic location: 1q42.3.
Variant type: single nucleotide variant.
Coding change: c.3972G>T on transcript NM_000081.4 (MANE Select); coding-DNA position 3972, G replaced by T.
Protein change: p.Leu1324Phe; replaces leucine 1324 with phenylalanine.
Molecular consequence: missense variant.
Genome position (GRCh38, 1-based): chr1:235,800,354, C>A on the plus strand (G>T on the coding strand, the complement: LYST is on the minus strand). VCF-style: chr1-235800354-C-A. GRCh37 (hg19) VCF-style: chr1-235963654-C-A.
Other names: c.3972G>T (NM_000081.2); c.3972G>T, p.Leu1324Phe (NM_001301365.1); short protein forms L1324F.
Identifiers: ClinVar variation 2042777 (VCV002042777.4), dbSNP rs373436668, ClinGen allele CA1466953.